The following is an entry in ClinVar:

ClinVar aggregate classification (germline): Uncertain significance (1 of 4 stars; one submission).

Conditions:
Atrioventricular septal defect 4 (AVSD4). Identifiers: MedGen C3280781, MONDO:0013747, OMIM 614430.

Submission:

Labcorp Genetics (formerly Invitae), Labcorp
Classification: Uncertain significance for Atrioventricular septal defect 4. Last evaluated: 2025-07-20. Review status: criteria provided, single submitter. Criteria: Invitae Variant Classification Sherloc (09022015). Collection method: clinical testing. Allele origin: germline.
Comment: This sequence change replaces alanine, which is neutral and non-polar, with threonine, which is neutral and polar, at codon 286 of the GATA4 protein (p.Ala286Thr). This variant is not present in population databases (gnomAD no frequency). This variant has not been reported in the literature in individuals affected with GATA4-related conditions. Invitae Evidence Modeling of protein sequence and biophysical properties (such as structural, functional, and spatial information, amino acid conservation, physicochemical variation, residue mobility, and thermodynamic stability) indicates that this missense variant is not expected to disrupt GATA4 protein function with a negative predictive value of 95%. In summary, the available evidence is currently insufficient to determine the role of this variant in disease. Therefore, it has been classified as a Variant of Uncertain Significance.

NM_001308093.3(GATA4):c.859G>A (p.Ala287Thr)

Gene: GATA4 (GATA binding protein 4). Cytogenetic location: 8p23.1.
Variant type: single nucleotide variant.
Coding change: c.859G>A on transcript NM_001308093.3 (MANE Select); coding-DNA position 859, G replaced by A.
Protein change: p.Ala287Thr; replaces alanine 287 with threonine.
Molecular consequence: missense variant. On other transcripts: intron variant (1).
Genome position (GRCh38, 1-based): chr8:11,750,183, G>A. VCF-style: chr8-11750183-G-A. GRCh37 (hg19) VCF-style: chr8-11607692-G-A.
Other names: c.238G>A, p.Ala80Thr (NM_001308094.2, NM_001374273.1); c.856G>A, p.Ala286Thr (NM_002052.5); c.165+1098G>A (NM_001374274.1); short protein forms A286T, A287T, A80T.
Identifiers: ClinVar variation 4709976 (VCV004709976.1).
Genomic context (GRCh38, chr8:11,750,183, plus strand): 5'-CGAGTGGGCCTCTCCTGTGCCAACTGCCAGACCACCACCACCACGCTGTGGCGCCGCAAT[G>A]CGGAGGGCGAGCCTGTGTGCAATGCCTGCGGCCTCTACATGAAGCTCCACGGGGTACGTG-3'
Protein context (NP_001295022.1, residues 277-297): TTTTTLWRRN[Ala287Thr]EGEPVCNACG